The following is an entry in ClinVar:

NM_022455.5(NSD1):c.5201T>C (p.Leu1734Pro)

Gene: NSD1 (nuclear receptor binding SET domain protein 1; plus strand). Cytogenetic location: 5q35.3.
Variant type: single nucleotide variant.
Coding change: c.5201T>C on transcript NM_022455.5 (MANE Select); coding-DNA position 5201, T replaced by C.
Protein change: p.Leu1734Pro; replaces leucine 1734 with proline.
Molecular consequence: missense variant.
Genome position (GRCh38, 1-based): chr5:177,267,616, T>C. VCF-style: chr5-177267616-T-C. GRCh37 (hg19) VCF-style: chr5-176694617-T-C.
Other names: c.4328T>C, p.Leu1443Pro (NM_001365684.2, NM_001409308.1, NM_001409309.1 and 1 more transcripts); c.5201T>C, p.Leu1734Pro (NM_001409301.1, NM_001409302.1, NM_001409303.1); c.4781T>C, p.Leu1594Pro (NM_001409304.1); c.4448T>C, p.Leu1483Pro (NM_001409305.1); c.4439T>C, p.Leu1480Pro (NM_001409306.1, NM_001409307.1); short protein forms L1443P, L1480P, L1483P, L1594P, L1734P.
Identifiers: ClinVar variation 2446217 (VCV002446217.1), dbSNP rs2480719857, ClinGen allele CA362305707.
Genomic context (GRCh38, chr5:177,267,616, plus strand): 5'-CCACAGGAGGCAGCCTTCTGTGCTGTGATTCTTGCCCTGCTGCTTTTCATCGTGAATGCC[T>C]GAACATTGATATCCCTGAAGGAAACTGGTATTGCAATGACTGTAAAGCAGGCAAAAAGCC-3'
Protein context (NP_071900.2, residues 1724-1744): SCPAAFHREC[Leu1734Pro]NIDIPEGNWY

ClinVar aggregate classification (germline): Likely pathogenic (1 of 4 stars; one submission).

Submission:

GeneDx
Classification: Likely pathogenic. Last evaluated: 2022-09-21. Review status: criteria provided, single submitter. Criteria: GeneDx Variant Classification Process June 2021. Collection method: clinical testing. Allele origin: germline. Affected: yes.
Comment: Published function studies suggest a damaging effect. Specifically, L1734P (described as Leu25Pro) disrupts methylation specific binding and ability of NSD1 to interact with cofactor Nizp1 (Pasillas et al., 2011); Not observed at significant frequency in large population cohorts (gnomAD); In silico analysis supports that this missense variant has a deleterious effect on protein structure/function; This variant is associated with the following publications: (PMID: 17565729, 21972110)